The following is an entry in ClinVar:

ClinVar aggregate classification (germline): Likely benign. Review status: criteria provided, multiple submitters, no conflicts (2 of 4 stars). 3 submissions from 3 submitters: Likely benign (2). 1 of the submissions does not count toward it. Last evaluated 2025-05-01.

Conditions:
TRPM3-related disorder. Also called: TRPM3-related condition.

Allele frequency attached by ClinVar (database versions not stated): gnomAD exomes 0.00010; TOPMed 0.00036; gnomAD 0.00041; ExAC 0.00044; 1000 Genomes Project 30x 0.00187; 1000 Genomes Project 0.00200.
gnomAD v4.1: 335 of 1,614,138 alleles (0.021%); highest among the groups gnomAD compares: East Asian, 0.37%; 4 homozygotes.

Submissions (3):

CeGaT Center for Human Genetics Tuebingen
Classification: Likely benign. Last evaluated: 2025-05-01. Review status: criteria provided, single submitter. Criteria: CeGaT Center For Human Genetics Tuebingen Variant Classification Criteria Version 2. Collection method: clinical testing. Allele origin: germline. Affected: yes. Observed: 1 variant allele.
Comment: TRPM3: BP4, BS1

Blueprint Genetics
Classification: Likely benign. Last evaluated: 2024-11-27. Review status: criteria provided, single submitter. Criteria: ACMG Guidelines, 2015. Collection method: clinical testing. Allele origin: germline.

PreventionGenetics, part of Exact Sciences
Classification: Likely benign for TRPM3-related condition. Last evaluated: 2019-10-28. Review status: no assertion criteria provided. Collection method: clinical testing. Allele origin: germline. Not counted in ClinVar's aggregate classification.
Comment: This variant is classified as likely benign based on ACMG/AMP sequence variant interpretation guidelines (Richards et al. 2015 PMID: 25741868, with internal and published modifications).

NM_001366145.2(TRPM3):c.4440C>T (p.Asp1480=)

Genes: KLF9-DT (KLF9 divergent transcript; plus strand), TRPM3 (transient receptor potential cation channel subfamily M member 3; minus strand). Cytogenetic location: 9q21.12.
Variant type: single nucleotide variant.
Coding change: c.4440C>T on transcript NM_001366145.2 (MANE Select); coding-DNA position 4440, C replaced by T.
Protein change: p.Asp1480=; no amino-acid change (aspartic acid 1480 retained).
Molecular consequence: synonymous variant. On other transcripts: intron variant (8).
Genome position (GRCh38, 1-based): chr9:70,536,673, G>A on the plus strand (C>T on the coding strand, the complement: TRPM3 is on the minus strand). VCF-style: chr9-70536673-G-A. GRCh37 (hg19) VCF-style: chr9-73151589-G-A.
Other names: c.3981C>T, p.Asp1327= (NM_024971.7); c.3915C>T, p.Asp1305= (NM_206944.5); c.3951C>T, p.Asp1317= (NM_206945.5); c.4020C>T, p.Asp1340= (NM_206946.5); c.3990C>T, p.Asp1330= (NM_206947.5); c.3961+449C>T (NM_001366143.2); c.3997+449C>T (NM_001366142.2); c.3925+449C>T (NM_001366150.2); and 9 more.
Identifiers: ClinVar variation 3045822 (VCV003045822.13), dbSNP rs182290052, ClinGen allele CA5077807.
Genomic context (GRCh38, chr9:70,536,673, plus strand): 5'-TGAGTCCCAGGGGTTTTGGCATTCTGGGAGGTGGGTGTAGTCTGAAGAAAAAGATCTAGT[G>A]TCCATGGAGGTGATGTCCTCAAAATCAATGCTCCGGCTTGGAGGTCTGTCTGTGGGTGCA-3'
Protein context (NP_001353074.1, residues 1470-1490): SIDFEDITSM[Asp1480=]TRSFSSDYTH